The following is an entry in ClinVar:

ClinVar aggregate classification (germline): Uncertain significance. Review status: criteria provided, single submitter (1 of 4 stars). 2 submissions from 2 submitters: Uncertain significance (1). 1 of the submissions does not count toward it. Last evaluated 2025-06-25.

Conditions:
PLEKHA7-related disorder. Also called: PLEKHA7-related condition.

Allele frequency attached by ClinVar (database versions not stated): gnomAD 0.00005.
gnomAD v4.1: 39 of 1,610,968 alleles (0.0024%); highest among the groups gnomAD compares: African/African-American, 0.0053%; no homozygotes.

Submissions (2):

Ambry Genetics
Classification: Uncertain significance. Last evaluated: 2025-06-25. Review status: criteria provided, single submitter. Criteria: Ambry Variant Classification Scheme 2023. Collection method: clinical testing. Allele origin: germline.

PreventionGenetics, part of Exact Sciences
Classification: Uncertain significance for PLEKHA7-related condition. Last evaluated: 2024-08-28. Review status: no assertion criteria provided. Collection method: clinical testing. Allele origin: germline. Not counted in ClinVar's aggregate classification.
Comment: The PLEKHA7 c.619G>A variant is predicted to result in the amino acid substitution p.Gly207Arg. To our knowledge, this variant has not been reported in the literature. This variant is reported in 0.0029% of alleles in individuals of Latino descent in gnomAD. At this time, the clinical significance of this variant is uncertain due to the absence of conclusive functional and genetic evidence.

NM_001329630.2(PLEKHA7):c.619G>A (p.Gly207Arg)

Gene: PLEKHA7 (pleckstrin homology domain containing A7; minus strand). Cytogenetic location: 11p15.2.
Variant type: single nucleotide variant.
Coding change: c.619G>A on transcript NM_001329630.2 (MANE Select); coding-DNA position 619, G replaced by A.
Protein change: p.Gly207Arg; replaces glycine 207 with arginine.
Molecular consequence: missense variant.
Genome position (GRCh38, 1-based): chr11:16,851,268, C>T on the plus strand (G>A on the coding strand, the complement: PLEKHA7 is on the minus strand). VCF-style: chr11-16851268-C-T. GRCh37 (hg19) VCF-style: chr11-16872815-C-T.
Other names: c.619G>A, p.Gly207Arg (NM_001329631.2, NM_001410960.1, NM_175058.5); c.619G>A (NM_175058.4); short protein forms G207R.
Identifiers: ClinVar variation 2636595 (VCV002636595.3), dbSNP rs1234684377, ClinGen allele CA379745787.